The following is an entry in ClinVar:

ClinVar aggregate classification (germline): Pathogenic (1 of 4 stars; one submission).

Submission:

Labcorp Genetics (formerly Invitae), Labcorp
Classification: Pathogenic. Last evaluated: 2022-04-22. Review status: criteria provided, single submitter. Criteria: Invitae Variant Classification Sherloc (09022015). Collection method: clinical testing. Allele origin: germline.
Comment: This variant has not been reported in the literature in individuals affected with PUS1-related conditions. This sequence change creates a premature translational stop signal (p.Leu264Trpfs*18) in the PUS1 gene. It is expected to result in an absent or disrupted protein product. Loss-of-function variants in PUS1 are known to be pathogenic (PMID: 17056637, 19731322, 25058219, 26556812). This variant is not present in population databases (gnomAD no frequency). For these reasons, this variant has been classified as Pathogenic.

Literature cited by the submitters: PubMed 17056637; PubMed 19731322; PubMed 25058219; PubMed 26556812.

NM_025215.6(PUS1):c.790del (p.Leu264fs)

Gene: PUS1 (pseudouridine synthase 1; plus strand). Cytogenetic location: 12q24.33.
Variant type: Deletion.
Coding change: c.790del on transcript NM_025215.6 (MANE Select); coding-DNA position 790, one base deleted (C; older notation c.790delC).
Protein change: p.Leu264fs; shifts the reading frame from leucine 264.
Molecular consequence: frameshift variant.
Genome position (GRCh38, 1-based): chr12:131,941,537, C deleted; the last of 2 consecutive C bases (chr12:131,941,536-131,941,537); deleting either gives the same sequence. VCF-style (leftmost placement, unchanged base first): chr12-131941535-TC-T. GRCh37 (hg19) VCF-style: chr12-132426080-TC-T.
Other names: c.706del, p.Leu236fs (NM_001002019.3, NM_001002020.3); short protein forms L236fs, L264fs.
Identifiers: ClinVar variation 2129213 (VCV002129213.4), dbSNP rs2540873281, ClinGen allele CA2580085970.